The following is an entry in ClinVar:

NM_000921.5(PDE3A):c.2455G>C (p.Gly819Arg)

Gene: PDE3A (phosphodiesterase 3A; plus strand). Cytogenetic location: 12p12.2.
Variant type: single nucleotide variant.
Coding change: c.2455G>C on transcript NM_000921.5 (MANE Select); coding-DNA position 2455, G replaced by C.
Protein change: p.Gly819Arg; replaces glycine 819 with arginine.
Molecular consequence: missense variant.
Genome position (GRCh38, 1-based): chr12:20,646,840, G>C. VCF-style: chr12-20646840-G-C. GRCh37 (hg19) VCF-style: chr12-20799774-G-C.
Other names: c.1489G>C, p.Gly497Arg (NM_001244683.2, NM_001378409.1); c.2149G>C, p.Gly717Arg (NM_001378407.1); c.1492G>C, p.Gly498Arg (NM_001378408.1); short protein forms G497R, G498R, G717R, G819R.
Identifiers: ClinVar variation 2642772 (VCV002642772.24), dbSNP rs2498122532, ClinGen allele CA384082351.
Genomic context (GRCh38, chr12:20,646,840, plus strand): 5'-ATGGGATATGTATTCTCAAAAACGTATAATGTGACAGATGATAAATACGGATGTCTGTCT[G>C]GGAATATCCCTGCCTTGGAGTTGATGGCGCTGTATGTGGCTGCAGCCATGCACGATTATG-3'
Protein context (NP_000912.3, residues 809-829): VTDDKYGCLS[Gly819Arg]NIPALELMAL

ClinVar aggregate classification (germline): Uncertain significance (1 of 4 stars; one submission).

Submission:

CeGaT Center for Human Genetics Tuebingen
Classification: Uncertain significance. Last evaluated: 2023-07-01. Review status: criteria provided, single submitter. Criteria: CeGaT Center For Human Genetics Tuebingen Variant Classification Criteria Version 2. Collection method: clinical testing. Allele origin: germline. Affected: yes. Observed: 1 variant allele.
Comment: PDE3A: PM2, PP3